The following is an entry in ClinVar:

ClinVar aggregate classification (germline): Uncertain significance (1 of 4 stars; one submission).

Allele frequency attached by ClinVar (database versions not stated): ExAC 0.00001; gnomAD 0.00001; gnomAD exomes 0.00002; TOPMed 0.00003.

Submission:

Labcorp Genetics (formerly Invitae), Labcorp
Classification: Uncertain significance. Last evaluated: 2023-11-17. Review status: criteria provided, single submitter. Criteria: Invitae Variant Classification Sherloc (09022015). Collection method: clinical testing. Allele origin: germline.
Comment: This sequence change replaces asparagine, which is neutral and polar, with serine, which is neutral and polar, at codon 998 of the CHD4 protein (p.Asn998Ser). This variant is present in population databases (rs758014481, gnomAD 0.004%). This variant has not been reported in the literature in individuals affected with CHD4-related conditions. Advanced modeling of protein sequence and biophysical properties (such as structural, functional, and spatial information, amino acid conservation, physicochemical variation, residue mobility, and thermodynamic stability) performed at Invitae indicates that this missense variant is not expected to disrupt CHD4 protein function with a negative predictive value of 80%. In summary, the available evidence is currently insufficient to determine the role of this variant in disease. Therefore, it has been classified as a Variant of Uncertain Significance.

NM_001273.5(CHD4):c.2993A>G (p.Asn998Ser)

Gene: CHD4 (chromodomain helicase DNA binding protein 4; minus strand). Cytogenetic location: 12p13.31.
Variant type: single nucleotide variant.
Coding change: c.2993A>G on transcript NM_001273.5 (MANE Select); coding-DNA position 2993, A replaced by G.
Protein change: p.Asn998Ser; replaces asparagine 998 with serine.
Molecular consequence: missense variant.
Genome position (GRCh38, 1-based): chr12:6,592,013, T>C on the plus strand (A>G on the coding strand, the complement: CHD4 is on the minus strand). VCF-style: chr12-6592013-T-C. GRCh37 (hg19) VCF-style: chr12-6701179-T-C.
Other names: c.2972A>G, p.Asn991Ser (NM_001297553.2); c.2954A>G, p.Asn985Ser (NM_001363606.2); short protein forms N991S, N998S, N985S.
Identifiers: ClinVar variation 3017604 (VCV003017604.3), dbSNP rs758014481, ClinGen allele CA6411861.